The following is an entry in ClinVar:

ClinVar aggregate classification (germline): Uncertain significance (1 of 4 stars; one submission).

Submission:

Labcorp Genetics (formerly Invitae), Labcorp
Classification: Uncertain significance. Last evaluated: 2022-07-13. Review status: criteria provided, single submitter. Criteria: Invitae Variant Classification Sherloc (09022015). Collection method: clinical testing. Allele origin: germline.
Comment: This sequence change replaces glutamine, which is neutral and polar, with arginine, which is basic and polar, at codon 149 of the SIX6 protein (p.Gln149Arg). In summary, the available evidence is currently insufficient to determine the role of this variant in disease. Therefore, it has been classified as a Variant of Uncertain Significance. Algorithms developed to predict the effect of missense changes on protein structure and function (SIFT, PolyPhen-2, Align-GVGD) all suggest that this variant is likely to be tolerated. ClinVar contains an entry for this variant (Variation ID: 1495929). This variant has not been reported in the literature in individuals affected with SIX6-related conditions. This variant is not present in population databases (gnomAD no frequency).

NM_007374.3(SIX6):c.446A>G (p.Gln149Arg)

Genes: C14orf39 (chromosome 14 open reading frame 39; minus strand), SIX6 (SIX homeobox 6; plus strand). Cytogenetic location: 14q23.1.
Variant type: single nucleotide variant.
Coding change: c.446A>G on transcript NM_007374.3 (MANE Select); coding-DNA position 446, A replaced by G.
Protein change: p.Gln149Arg; replaces glutamine 149 with arginine.
Molecular consequence: missense variant.
Genome position (GRCh38, 1-based): chr14:60,509,844, A>G. VCF-style: chr14-60509844-A-G. GRCh37 (hg19) VCF-style: chr14-60976562-A-G.
Other names: short protein forms Q149R.
Identifiers: ClinVar variation 1495929 (VCV001495929.6), dbSNP rs1893263652, ClinGen allele CA390087244.